The following is an entry in ClinVar:

ClinVar aggregate classification (germline): Pathogenic. Review status: criteria provided, single submitter (1 of 4 stars). 2 submissions from 2 submitters: Pathogenic (1). 1 of the submissions does not count toward it. Last evaluated 2023-03-25.

Conditions:
Microcephaly 2, primary, autosomal recessive, with or without cortical malformations. Also called: MICROCEPHALY 2, PRIMARY, AUTOSOMAL RECESSIVE, WITH CORTICAL MALFORMATIONS; WDR62 Primary Microcephaly. Identifiers: Orphanet 2512, MedGen C1858535, MONDO:0011435, OMIM 604317.

Submissions (2):

GeneDx
Classification: Pathogenic. Last evaluated: 2023-03-25. Review status: criteria provided, single submitter. Criteria: GeneDx Variant Classification Process June 2021. Collection method: clinical testing. Allele origin: germline. Affected: yes.
Comment: Frameshift variant predicted to result in protein truncation or nonsense mediated decay in a gene for which loss-of-function is a known mechanism of disease; Not observed at significant frequency in large population cohorts (gnomAD); This variant is associated with the following publications: (PMID: 28756000, 25303973, 26582918, 24479948, 27535533)

Service de Génétique Moléculaire, Hôpital Robert Debré
Classification: Pathogenic for Microcephaly 2, primary, autosomal recessive, with or without cortical malformations. Review status: no assertion criteria provided. Collection method: clinical testing. Allele origin: unknown. Affected: yes. Not counted in ClinVar's aggregate classification.

NM_001083961.2(WDR62):c.1821dup (p.Arg608fs)

Gene: WDR62 (WD repeat domain 62; plus strand). Cytogenetic location: 19q13.12.
Variant type: Duplication.
Coding change: c.1821dup on transcript NM_001083961.2 (MANE Select); coding-DNA position 1821, one base duplicated (T; older notation c.1821dupT).
Protein change: p.Arg608fs; shifts the reading frame from arginine 608.
Molecular consequence: frameshift variant.
Genome position (GRCh38, 1-based): chr19:36,089,090, T duplicated; the last of 3 consecutive T bases (chr19:36,089,088-36,089,090); duplicating any one gives the same sequence. VCF-style (leftmost placement, unchanged base first): chr19-36089087-C-CT. GRCh37 (hg19) VCF-style: chr19-36579989-C-CT.
Other names: c.1821dup (NM_001083961.1); c.1821dupT (NM_001083961.1); c.1821dup, p.Arg608fs (NM_173636.5); short protein forms R608fs.
Identifiers: ClinVar variation 817049 (VCV000817049.3), dbSNP rs1213710245, ClinGen allele CA632783180.